The following is an entry in ClinVar:

ClinVar aggregate classification (germline): Likely benign (1 of 4 stars; one submission).

Submission:

GeneDx
Classification: Likely benign. Last evaluated: 2022-06-27. Review status: criteria provided, single submitter. Criteria: GeneDx Variant Classification Process June 2021. Collection method: clinical testing. Allele origin: germline. Affected: yes.
Comment: In silico analysis supports that this missense variant does not alter protein structure/function; Has not been previously published as pathogenic or benign to our knowledge; In silico analysis suggests this variant may impact gene splicing. In the absence of RNA/functional studies, the actual effect of this sequence change is unknown

NM_177559.3(CSNK2A1):c.1172A>G (p.Gln391Arg)

Gene: CSNK2A1 (casein kinase 2 alpha 1; minus strand). Cytogenetic location: 20p13.
Variant type: single nucleotide variant.
Coding change: c.1172A>G on transcript NM_177559.3 (MANE Select); coding-DNA position 1172, A replaced by G.
Protein change: p.Gln391Arg; replaces glutamine 391 with arginine.
Molecular consequence: missense variant.
Genome position (GRCh38, 1-based): chr20:483,965, T>C on the plus strand (A>G on the coding strand, the complement: CSNK2A1 is on the minus strand). VCF-style: chr20-483965-T-C. GRCh37 (hg19) VCF-style: chr20-464609-T-C.
Other names: c.1172A>G, p.Gln391Arg (NM_001362770.2, NM_001362771.2, NM_001895.4); c.764A>G, p.Gln255Arg (NM_177560.3); short protein forms Q255R, Q391R.
Identifiers: ClinVar variation 1804402 (VCV001804402.1), dbSNP rs754115866, ClinGen allele CA9723776.
Genomic context (GRCh38, chr20:483,965, plus strand): 5'-AAGGAGAGGGTGGACTCCCCCACCTCTGCTCAGGCATCAGGAGACAGATAGGGCCGTTAC[T>C]GCTGAGCGCCAGCGGCAGCTGGAACAGGCATCCCAAGGGGGTTGGCAGCAGCAATCACTG-3'
Protein context (NP_808227.1, residues 381-391): MPVPAAAGAQ[Gln391Arg]